The following is an entry in ClinVar:

ClinVar aggregate classification (germline): Uncertain significance. Review status: criteria provided, multiple submitters, no conflicts (2 of 4 stars). 2 submissions from 2 submitters: Uncertain significance (2). Last evaluated 2025-10-26.

Allele frequency attached by ClinVar (database versions not stated): gnomAD exomes 0.00001; TOPMed 0.00001; gnomAD 0.00001.
gnomAD v4.1: 4 of 1,611,440 alleles (0.00025%); highest among the groups gnomAD compares: Admixed American, 0.0034%; no homozygotes.

Submissions (2):

Labcorp Genetics (formerly Invitae), Labcorp
Classification: Uncertain significance. Last evaluated: 2025-10-26. Review status: criteria provided, single submitter. Criteria: Invitae Variant Classification Sherloc (09022015). Collection method: clinical testing. Allele origin: germline.
Comment: This sequence change falls in intron 16 of the KIF23 gene. It does not directly change the encoded amino acid sequence of the KIF23 protein. It affects a nucleotide within the consensus splice site. The frequency data for this variant in the population databases is considered unreliable, as metrics indicate poor data quality at this position in the gnomAD database. This variant has not been reported in the literature in individuals affected with KIF23-related conditions. ClinVar contains an entry for this variant (Variation ID: 2968572). Variants that disrupt the consensus splice site are a relatively common cause of aberrant splicing (PMID: 17576681, 9536098). Algorithms developed to predict the effect of sequence changes on RNA splicing suggest that this variant is not likely to affect RNA splicing. In summary, the available evidence is currently insufficient to determine the role of this variant in disease. Therefore, it has been classified as a Variant of Uncertain Significance.

Breakthrough Genomics
Classification: Uncertain significance. Review status: criteria provided, single submitter. Criteria: ACMG Guidelines, 2015. Collection method: not provided. Allele origin: germline. Inheritance: Autosomal dominant inheritance. Affected: yes.

Literature cited by the submitters: PubMed 17576681 (cited by Labcorp Genetics (formerly Invitae), Labcorp); PubMed 9536098 (cited by Labcorp Genetics (formerly Invitae), Labcorp).

NM_001367805.3(KIF23):c.1930-3T>C

Gene: KIF23 (kinesin family member 23; plus strand). Cytogenetic location: 15q23.
Variant type: single nucleotide variant.
Coding change: c.1930-3T>C on transcript NM_001367805.3 (MANE Select); 3 bases into the intron before coding-DNA position 1930, T replaced by C.
Molecular consequence: intron variant.
Genome position (GRCh38, 1-based): chr15:69,440,305, T>C. VCF-style: chr15-69440305-T-C. GRCh37 (hg19) VCF-style: chr15-69732644-T-C.
Other names: c.1888-3T>C (NM_138555.4, NM_001367804.2, NM_004856.7); c.1558-3T>C (NM_001281301.2).
Identifiers: ClinVar variation 2968572 (VCV002968572.4), dbSNP rs1443596623, ClinGen allele CA618960056.
Genomic context (GRCh38, chr15:69,440,305, plus strand): 5'-TAATCTGGTGTACTCGTTTGCTGTGATGGAATGATAATATACATTGCCACTGATAATCTG[T>C]AGGAGCGTAGAGTGGCAGCCAAACAGCTGGAGATGCAGAATAAACTCTGGGTTAAAGATG-3'